The following is an entry in ClinVar:

NM_003070.5(SMARCA2):c.4206C>T (p.Asn1402=)

Gene: SMARCA2 (SWI/SNF related BAF chromatin remodeling complex subunit ATPase 2; plus strand). Cytogenetic location: 9p24.3.
Variant type: single nucleotide variant.
Coding change: c.4206C>T on transcript NM_003070.5 (MANE Select); coding-DNA position 4206, C replaced by T.
Protein change: p.Asn1402=; no amino-acid change (asparagine 1402 retained).
Molecular consequence: synonymous variant. On other transcripts: intron variant (5).
Genome position (GRCh38, 1-based): chr9:2,170,425, C>T. VCF-style: chr9-2170425-C-T. GRCh37 (hg19) VCF-style: chr9-2170425-C-T.
Other names: c.4206C>T, p.Asn1402= (NM_001289396.2); c.4199+8522C>T (NM_139045.4); c.4025+8522C>T (NM_001289397.2); c.227+8522C>T (NM_001289398.2); c.317+8522C>T (NM_001289400.2); c.311+8522C>T (NM_001289399.2).
Identifiers: ClinVar variation 914997 (VCV000914997.8), dbSNP rs373924332, ClinGen allele CA4964059.
Genomic context (GRCh38, chr9:2,170,425, plus strand): 5'-CGGGGACGAGAACCCAGGTCTTCTGACTCTAGTGTTCTTTCTACTCTACCGCAGGTGTAA[C>T]GTGGAGAAGGTGCCCAGTAATTCTCAGTTGGAAATAGAAGGAAACAGGTCAGGATCTGTC-3'
Protein context (NP_003061.3, residues 1392-1412): DTVINYKDRC[Asn1402=]VEKVPSNSQL

ClinVar aggregate classification (germline): Likely benign. Review status: criteria provided, multiple submitters, no conflicts (2 of 4 stars). 3 submissions from 3 submitters: Likely benign (3). Last evaluated 2024-08-18.

Conditions:
Nicolaides-Baraitser syndrome (NCBRS). Also called: Intellectual disability-sparse hair-brachydactyly syndrome; SMARCA2-Related Nicolaides-Baraitser Syndrome. Identifiers: Orphanet 3051, MedGen C1303073, MONDO:0011053, OMIM 601358.

Allele frequency attached by ClinVar (database versions not stated): gnomAD exomes 0.00001 and 0.00002; ExAC 0.00002; gnomAD 0.00002 and 0.00003; TOPMed 0.00004; ESP Exome Variant Server 0.00008.
gnomAD v4.1: 37 of 1,613,916 alleles (0.0023%); highest among the groups gnomAD compares: Middle Eastern, 0.066%; no homozygotes.

Submissions (3):

Labcorp Genetics (formerly Invitae), Labcorp
Classification: Likely benign. Last evaluated: 2024-08-18. Review status: criteria provided, single submitter. Criteria: Invitae Variant Classification Sherloc (09022015). Collection method: clinical testing. Allele origin: germline.

Illumina Laboratory Services, Illumina
Classification: Likely benign for Nicolaides-Baraitser syndrome. Last evaluated: 2018-01-13. Review status: criteria provided, single submitter. Criteria: ICSL Variant Classification Criteria 13 December 2019. Collection method: clinical testing. Allele origin: germline.
Comment: This variant was observed in the ICSL laboratory as part of a predisposition screen in an ostensibly healthy population. It had not been previously curated by ICSL or reported in the Human Gene Mutation Database (HGMD: prior to June 1st, 2018), and was therefore a candidate for classification through an automated scoring system. Utilizing variant allele frequency, disease prevalence and penetrance estimates, and inheritance mode, an automated score was calculated to assess if this variant is too frequent to cause the disease. Based on the score and internal cut-off values, a variant classified as likely benign is not then subjected to further curation. The score for this variant resulted in a classification of likely benign for this disease.

Breakthrough Genomics
Classification: Likely benign. Review status: criteria provided, single submitter. Criteria: ACMG Guidelines, 2015. Collection method: not provided. Allele origin: germline. Inheritance: Autosomal dominant inheritance. Affected: yes.